The following is an entry in ClinVar:

NM_017617.5(NOTCH1):c.3114C>T (p.Asp1038=)

Gene: NOTCH1 (notch receptor 1; minus strand). Cytogenetic location: 9q34.3.
Variant type: single nucleotide variant.
Coding change: c.3114C>T on transcript NM_017617.5 (MANE Select); coding-DNA position 3114, C replaced by T.
Protein change: p.Asp1038=; no amino-acid change (aspartic acid 1038 retained).
Molecular consequence: synonymous variant.
Genome position (GRCh38, 1-based): chr9:136,508,927, G>A on the plus strand (C>T on the coding strand, the complement: NOTCH1 is on the minus strand). VCF-style: chr9-136508927-G-A. GRCh37 (hg19) VCF-style: chr9-139403379-G-A.
Other names: c.3114C>T, p.Asp1038= (LRG_1122t1).
Identifiers: ClinVar variation 241133 (VCV000241133.40), dbSNP rs769755236, ClinGen allele CA5341059.

ClinVar aggregate classification (germline): Likely benign. Review status: criteria provided, multiple submitters, no conflicts (2 of 4 stars). 5 submissions from 4 submitters: Likely benign (5). Last evaluated 2026-01-18.

Conditions:
Familial thoracic aortic aneurysm and aortic dissection (TAAD). Also called: Thoracic aortic aneurysms and dissections. Identifiers: Orphanet 91387, MedGen C4707243, MONDO:0019625.
Adams-Oliver syndrome 5 (AOS5). Identifiers: Orphanet 974, MedGen C4014970, MONDO:0014459, OMIM 616028.
Aortic valve disease 1 (AOVD1). Identifiers: MedGen C3887892, MONDO:0024523, OMIM 109730.

Allele frequency attached by ClinVar (database versions not stated): gnomAD exomes 0.00006 and 0.00011; TOPMed 0.00018; gnomAD 0.00024; ExAC 0.00029.
gnomAD v4.1: 124 of 1,549,530 alleles (0.008%); highest among the groups gnomAD compares: African/African-American, 0.046%; no homozygotes.

Submissions (5):

Labcorp Genetics (formerly Invitae), Labcorp
Classification: Likely benign for Adams-Oliver syndrome 5. Last evaluated: 2026-01-18. Review status: criteria provided, single submitter. Criteria: Invitae Variant Classification Sherloc (09022015). Collection method: clinical testing. Allele origin: germline.

CeGaT Center for Human Genetics Tuebingen
Classification: Likely benign. Last evaluated: 2025-07-01. Review status: criteria provided, single submitter. Criteria: CeGaT Center For Human Genetics Tuebingen Variant Classification Criteria Version 2. Collection method: clinical testing. Allele origin: germline. Affected: yes. Observed: 2 variant alleles.
Comment: NOTCH1: BP4, BP7

Genome-Nilou Lab
Classification: Likely benign for Adams-Oliver syndrome 5. Last evaluated: 2022-03-15. Review status: criteria provided, single submitter. Criteria: ACMG Guidelines, 2015. Collection method: clinical testing. Allele origin: germline. Affected: no.

Genome-Nilou Lab
Classification: Likely benign for Aortic valve disease 1. Last evaluated: 2022-03-15. Review status: criteria provided, single submitter. Criteria: ACMG Guidelines, 2015. Collection method: clinical testing. Allele origin: germline. Affected: no.

Ambry Genetics
Classification: Likely benign for Familial thoracic aortic aneurysm and aortic dissection. Last evaluated: 2017-01-31. Review status: criteria provided, single submitter. Criteria: Ambry Variant Classification Scheme 2023. Collection method: clinical testing. Allele origin: germline.